The following is an entry in ClinVar:

NM_001130823.3(DNMT1):c.2108A>G (p.Gln703Arg)

Gene: DNMT1 (DNA methyltransferase 1; minus strand). Cytogenetic location: 19p13.2.
Variant type: single nucleotide variant.
Coding change: c.2108A>G on transcript NM_001130823.3 (MANE Select); coding-DNA position 2108, A replaced by G.
Protein change: p.Gln703Arg; replaces glutamine 703 with arginine.
Molecular consequence: missense variant.
Genome position (GRCh38, 1-based): chr19:10,151,759, T>C on the plus strand (A>G on the coding strand, the complement: DNMT1 is on the minus strand). VCF-style: chr19-10151759-T-C. GRCh37 (hg19) VCF-style: chr19-10262435-T-C.
Other names: c.2108A>G (LRG_362t1); c.2060A>G, p.Gln687Arg (NM_001318730.2, NM_001379.4); c.1745A>G, p.Gln582Arg (NM_001318731.2); short protein forms Q703R, Q582R, Q687R.
Identifiers: ClinVar variation 574257 (VCV000574257.8), dbSNP rs774333932, ClinGen allele CA9188132.

ClinVar aggregate classification (germline): Uncertain significance (1 of 4 stars; one submission).

Conditions:
Hereditary sensory neuropathy-deafness-dementia syndrome. Also called: Hereditary Sensory and Autonomic Neuropathy Type 1E (HSAN1E); HSN IE; NEUROPATHY, HEREDITARY SENSORY, WITH HEARING LOSS AND DEMENTIA; Hereditary sensory neuropathy type IE. Identifiers: Orphanet 456318, MedGen C3279885, MONDO:0013584, OMIM 614116.

Allele frequency attached by ClinVar (database versions not stated): gnomAD exomes below 0.00001; ExAC 0.00001; gnomAD 0.00001.
gnomAD v4.1: 4 of 1,614,078 alleles (0.00025%); highest among the groups gnomAD compares: African/African-American, 0.0013%; no homozygotes.

Submission:

Labcorp Genetics (formerly Invitae), Labcorp
Classification: Uncertain significance for Hereditary sensory neuropathy-deafness-dementia syndrome. Last evaluated: 2018-04-18. Review status: criteria provided, single submitter. Criteria: Invitae Variant Classification Sherloc (09022015). Collection method: clinical testing. Allele origin: germline.
Comment: This sequence change replaces glutamine with arginine at codon 703 of the DNMT1 protein (p.Gln703Arg). The glutamine residue is weakly conserved and there is a small physicochemical difference between glutamine and arginine. This variant is present in population databases (rs774333932, ExAC 0.001%). This variant has not been reported in the literature in individuals with DNMT1-related disease. Algorithms developed to predict the effect of missense changes on protein structure and function (SIFT, PolyPhen-2, Align-GVGD) all suggest that this variant is likely to be tolerated, but these predictions have not been confirmed by published functional studies and their clinical significance is uncertain. In summary, the available evidence is currently insufficient to determine the role of this variant in disease. Therefore, it has been classified as a Variant of Uncertain Significance.